The following is an entry in ClinVar:

NM_001009944.3(PKD1):c.3724A>C (p.Thr1242Pro)

Gene: PKD1 (polycystin 1, transient receptor potential channel interacting; minus strand). Cytogenetic location: 16p13.3.
Variant type: single nucleotide variant.
Coding change: c.3724A>C on transcript NM_001009944.3 (MANE Select); coding-DNA position 3724, A replaced by C.
Protein change: p.Thr1242Pro; replaces threonine 1242 with proline.
Molecular consequence: missense variant.
Genome position (GRCh38, 1-based): chr16:2,111,443, T>G on the plus strand (A>C on the coding strand, the complement: PKD1 is on the minus strand). VCF-style: chr16-2111443-T-G. GRCh37 (hg19) VCF-style: chr16-2161444-T-G.
Other names: c.3724A>C, p.Thr1242Pro (NM_000296.4); short protein forms T1242P.
Identifiers: ClinVar variation 4531573 (VCV004531573.2).

ClinVar aggregate classification (germline): Uncertain significance (1 of 4 stars; one submission).

Conditions:
Polycystic kidney disease, adult type (PKD1). Also called: Polycystic kidney disease 1, severe; Polycystic Kidney Disease 1, Autosomal Dominant; Polycystic kidney disease 1; Polycystic Kidney, Autosomal Dominant; POLYCYSTIC KIDNEY DISEASE 1 WITH OR WITHOUT POLYCYSTIC LIVER DISEASE; POLYCYSTIC KIDNEY DISEASE, ADULT, TYPE I. Identifiers: MedGen C3149841, MONDO:0008263, OMIM 173900.

Submission:

Victorian Clinical Genetics Services, Murdoch Childrens Research Institute
Classification: Uncertain significance for Polycystic kidney disease, adult type. Last evaluated: 2026-05-13. Review status: criteria provided, single submitter. Criteria: ACMG Guidelines, 2015. Collection method: clinical testing. Allele origin: germline. Affected: yes.
Comment: This variant is classified as VUS-3A. Evidence in support of pathogenic classification: Variant is absent from gnomAD (v2, v3 and v4). Additional information: Variant is predicted to result in a missense amino acid change from Thr to Pro; This variant is heterozygous; This gene is associated with autosomal dominant disease. Polycystic kidney disease 1 (MIM#173900) is predominantly caused by monoallelic variants, with rare reports of biallelic variants causing disease (OMIM); Alternative amino acid change(s) at the same position are present in gnomAD (highest allele count: v4: 10 heterozygote(s), 0 homozygote(s)); Previous evidence of pathogenicity for this variant is inconclusive. Segregation evidence for this variant is inconclusive. This variant has been shown to segregate with polycystic kidney disease in one family, with only one meiosis (VCGS cohort); No published functional evidence has been identified for this variant; No comparable missense variants have previous evidence for pathogenicity. However, p.(Thr1242Met), which has a greater Grantham score, has been classified once as a VUS by a clinical laboratory in ClinVar. It has also been reported in the literature as probably pathogenic in an individual with polycystic kidney disease who had an additional missense variant in the PKD1 gene (PMID: 18837007); Variant is located in the annotated PKD domain (DECIPHER); Missense variant with inconclusive in silico prediction and uninformative conservation; Loss of function is a known mechanism of disease in this gene and is associated with polycystic kidney disease 1 (MIM#173900); Inheritance information for this variant is not currently available in this individual.

Literature cited by the submitters: PubMed 18837007.